The following is an entry in ClinVar:

NM_014208.3(DSPP):c.2950G>A (p.Asp984Asn)

Genes: DMP1-AS1 (DMP1 and DSPP antisense RNA 1; minus strand), DSPP (dentin sialophosphoprotein; plus strand). Cytogenetic location: 4q22.1.
Variant type: single nucleotide variant.
Coding change: c.2950G>A on transcript NM_014208.3 (MANE Select); coding-DNA position 2950, G replaced by A.
Protein change: p.Asp984Asn; replaces aspartic acid 984 with asparagine.
Molecular consequence: missense variant.
Genome position (GRCh38, 1-based): chr4:87,615,612, G>A. VCF-style: chr4-87615612-G-A. GRCh37 (hg19) VCF-style: chr4-88536764-G-A.
Other names: short protein forms D984N.
Identifiers: ClinVar variation 2391844 (VCV002391844.28), dbSNP rs200690984, ClinGen allele CA3001345.

ClinVar aggregate classification (germline): Conflicting classifications of pathogenicity. Review status: criteria provided, conflicting classifications (1 of 4 stars). 3 submissions from 3 submitters: Uncertain significance (1); Benign (1); Likely benign (1). Last evaluated 2026-07-01.

Conditions:
Inborn genetic diseases. Identifiers: MedGen C0950123, MeSH D030342.

Allele frequency attached by ClinVar (database versions not stated): gnomAD 0.00093; TOPMed 0.00097; ExAC 0.00105; ESP Exome Variant Server 0.00129.

Submissions (3):

CeGaT Center for Human Genetics Tuebingen
Classification: Benign. Last evaluated: 2026-07-01. Review status: criteria provided, single submitter. Criteria: CeGaT Center For Human Genetics Tuebingen Variant Classification Criteria Version 2. Collection method: clinical testing. Allele origin: germline. Affected: yes. Observed: 4 variant alleles.
Comment: DSPP: PP2, BP4, BS1, BS2

Blueprint Genetics
Classification: Likely benign. Last evaluated: 2024-10-16. Review status: criteria provided, single submitter. Criteria: ACMG Guidelines, 2015. Collection method: clinical testing. Allele origin: germline.

Ambry Genetics
Classification: Uncertain significance for Inborn genetic diseases. Last evaluated: 2024-08-28. Review status: criteria provided, single submitter. Criteria: Ambry Variant Classification Scheme 2023. Collection method: clinical testing. Allele origin: germline.